The following is an entry in ClinVar:

ClinVar aggregate classification (germline): Conflicting classifications of pathogenicity. Review status: criteria provided, conflicting classifications (1 of 4 stars). 5 submissions from 5 submitters: Uncertain significance (3); Likely benign (2). Last evaluated 2026-02-05.

Conditions:
Immunodeficiency 18 (IMD18). Also called: CD3-EPSILON DEFICIENCY; CD3epsilon deficiency. Identifiers: MedGen C3810127, MONDO:0014278, OMIM 615615.

Allele frequency attached by ClinVar (database versions not stated): gnomAD exomes 0.00010 and 0.00024; ExAC 0.00029; gnomAD 0.00083 and 0.00084; TOPMed 0.00088; ESP Exome Variant Server 0.00108; 1000 Genomes Project 0.00180; 1000 Genomes Project 30x 0.00250.
gnomAD v4.1: 267 of 1,614,022 alleles (0.017%); highest among the groups gnomAD compares: African/African-American, 0.32%; no homozygotes.

Submissions (6):

Women's Health and Genetics/Laboratory Corporation of America, LabCorp
Classification: Likely benign. Last evaluated: 2026-02-05. Review status: criteria provided, single submitter. Criteria: LabCorp Variant Classification Summary - May 2015. Collection method: clinical testing. Allele origin: germline.
Comment: Variant summary: CD3E c.470C>T (p.Ala157Val) results in a non-conservative amino acid change in the encoded protein sequence. Algorithms developed to predict the effect of missense changes on protein structure and function are either unavailable or do not agree on the potential impact of this missense change. The variant allele was found at a frequency of 0.00024 in 251400 control chromosomes, predominantly at a frequency of 0.0034 within the African or African-American subpopulation in the gnomAD database. The observed variant frequency within African or African-American control individuals in the gnomAD database exceeds the estimated maximal expected allele frequency for disease-causing variants in CD3E. c.470C>T has been observed in individual(s) affected with Celiac Disease (Mansour_2022). These report(s) do not provide unequivocal conclusions about association of the variant with Severe Combined Immunodeficiency. To our knowledge, no experimental evidence demonstrating an impact on protein function has been reported. The following publication has been ascertained in the context of this evaluation (PMID: 35237542). ClinVar contains an entry for this variant (Variation ID: 496074). Based on the evidence outlined above, the variant was classified as likely benign.

Labcorp Genetics (formerly Invitae), Labcorp
Classification: Likely benign for Immunodeficiency 18. Last evaluated: 2026-01-28. Review status: criteria provided, single submitter. Criteria: Invitae Variant Classification Sherloc (09022015). Collection method: clinical testing. Allele origin: germline.

Blueprint Genetics
Classification: Uncertain significance. Last evaluated: 2024-07-15. Review status: criteria provided, single submitter. Criteria: ACMG Guidelines, 2015. Collection method: clinical testing. Allele origin: germline.

Revvity Omics, Revvity
Classification: Uncertain significance for Immunodeficiency 18. Last evaluated: 2020-02-19. Review status: criteria provided, single submitter. Criteria: ACMG Guidelines, 2015. Collection method: clinical testing. Allele origin: germline.

Center for Genomics, Ann and Robert H. Lurie Children's Hospital of Chicago
Classification: Uncertain significance for Immunodeficiency 18. Review status: criteria provided, single submitter. Criteria: ACMG Guidelines, 2015. Collection method: clinical testing. Allele origin: germline.
Comment: This variant has been reported in the literature in at least 1 individual with Celiac disease (Mansour 2022 PMID:35237542). This variant is present in the Genome Aggregation Database (Highest reported MAF 0.2% [121/41424]). This variant is present in ClinVar (Variation ID: 496074). This variant amino acid Valine (Val) is present in several species including multiple mammals and is not well conserved among evolutionarily distant species; this suggests that this variant may not impact the protein. Additional computational prediction tools do not suggest an impact. In summary, data on this variant is insufficient for disease classification. Therefore, the clinical significance of this variant is uncertain

Dr. Peter K. Rogan Lab, Western University
No classification provided (evidence only). Condition: Lung cancer. Review status: no classification provided. Collection method: in vitro. Allele origin: not applicable. Functional consequence: skipped exon, retained intron. Not counted in ClinVar's aggregate classification.

Literature cited by the submitters: PubMed 35237542 (cited by Women's Health and Genetics/Laboratory Corporation of America, LabCorp).

NM_000733.4(CD3E):c.470C>T (p.Ala157Val)

Gene: CD3E (CD3 epsilon subunit of T-cell receptor complex; plus strand). Cytogenetic location: 11q23.3.
Variant type: single nucleotide variant.
Coding change: c.470C>T on transcript NM_000733.4 (MANE Select); coding-DNA position 470, C replaced by T.
Protein change: p.Ala157Val; replaces alanine 157 with valine.
Molecular consequence: missense variant.
Genome position (GRCh38, 1-based): chr11:118,313,824, C>T. VCF-style: chr11-118313824-C-T. GRCh37 (hg19) VCF-style: chr11-118184539-C-T.
Other names: short protein forms A157V.
Identifiers: ClinVar variation 496074 (VCV000496074.19), dbSNP rs140639753, ClinGen allele CA6301724.